The following is an entry in ClinVar:

ClinVar aggregate classification (germline): Uncertain significance (1 of 4 stars; one submission).

Allele frequency attached by ClinVar (database versions not stated): TOPMed 0.00001; gnomAD exomes 0.00001; gnomAD 0.00002; ExAC 0.00002.
gnomAD v4.1: 17 of 1,613,314 alleles (0.0011%); highest among the groups gnomAD compares: Admixed American, 0.0017%; no homozygotes.

Submission:

Labcorp Genetics (formerly Invitae), Labcorp
Classification: Uncertain significance. Last evaluated: 2025-07-22. Review status: criteria provided, single submitter. Criteria: Invitae Variant Classification Sherloc (09022015). Collection method: clinical testing. Allele origin: germline.
Comment: This sequence change replaces serine, which is neutral and polar, with leucine, which is neutral and non-polar, at codon 758 of the ROR2 protein (p.Ser758Leu). This variant is present in population databases (rs776233029, gnomAD 0.004%). This variant has not been reported in the literature in individuals affected with ROR2-related conditions. ClinVar contains an entry for this variant (Variation ID: 2914879). Invitae Evidence Modeling of protein sequence and biophysical properties (such as structural, functional, and spatial information, amino acid conservation, physicochemical variation, residue mobility, and thermodynamic stability) indicates that this missense variant is not expected to disrupt ROR2 protein function with a negative predictive value of 80%. In summary, the available evidence is currently insufficient to determine the role of this variant in disease. Therefore, it has been classified as a Variant of Uncertain Significance.

NM_004560.4(ROR2):c.2273C>T (p.Ser758Leu)

Gene: ROR2 (receptor tyrosine kinase like orphan receptor 2; minus strand). Cytogenetic location: 9q22.31.
Variant type: single nucleotide variant.
Coding change: c.2273C>T on transcript NM_004560.4 (MANE Select); coding-DNA position 2273, C replaced by T.
Protein change: p.Ser758Leu; replaces serine 758 with leucine.
Molecular consequence: missense variant.
Genome position (GRCh38, 1-based): chr9:91,724,221, G>A on the plus strand (C>T on the coding strand, the complement: ROR2 is on the minus strand). VCF-style: chr9-91724221-G-A. GRCh37 (hg19) VCF-style: chr9-94486503-G-A.
Other names: short protein forms S758L.
Identifiers: ClinVar variation 2914879 (VCV002914879.3), dbSNP rs776233029, ClinGen allele CA5120433.